The following is an entry in ClinVar:

NM_001942.4(DSG1):c.1259C>G (p.Thr420Ser)

Gene: DSG1 (desmoglein 1; plus strand). Cytogenetic location: 18q12.1.
Variant type: single nucleotide variant.
Coding change: c.1259C>G on transcript NM_001942.4 (MANE Select); coding-DNA position 1259, C replaced by G.
Protein change: p.Thr420Ser; replaces threonine 420 with serine.
Molecular consequence: missense variant.
Genome position (GRCh38, 1-based): chr18:31,336,607, C>G. VCF-style: chr18-31336607-C-G. GRCh37 (hg19) VCF-style: chr18-28916570-C-G.
Other names: short protein forms T420S.
Identifiers: ClinVar variation 3674840 (VCV003674840.2).

ClinVar aggregate classification (germline): Uncertain significance (1 of 4 stars; one submission).

Submission:

Labcorp Genetics (formerly Invitae), Labcorp
Classification: Uncertain significance. Last evaluated: 2024-03-04. Review status: criteria provided, single submitter. Criteria: Invitae Variant Classification Sherloc (09022015). Collection method: clinical testing. Allele origin: germline.
Comment: This sequence change replaces threonine, which is neutral and polar, with serine, which is neutral and polar, at codon 420 of the DSG1 protein (p.Thr420Ser). This variant is not present in population databases (gnomAD no frequency). This variant has not been reported in the literature in individuals affected with DSG1-related conditions. Advanced modeling of protein sequence and biophysical properties (such as structural, functional, and spatial information, amino acid conservation, physicochemical variation, residue mobility, and thermodynamic stability) performed at Invitae indicates that this missense variant is not expected to disrupt DSG1 protein function with a negative predictive value of 80%. In summary, the available evidence is currently insufficient to determine the role of this variant in disease. Therefore, it has been classified as a Variant of Uncertain Significance.